The following is an entry in ClinVar:

ClinVar aggregate classification (germline): Uncertain significance (1 of 4 stars; one submission).

gnomAD v4.1: 142 of 1,613,898 alleles (0.0088%); highest among the groups gnomAD compares: Admixed American, 0.023%; no homozygotes.

Submission:

Labcorp Genetics (formerly Invitae), Labcorp
Classification: Uncertain significance. Last evaluated: 2024-11-13. Review status: criteria provided, single submitter. Criteria: Invitae Variant Classification Sherloc (09022015). Collection method: clinical testing. Allele origin: germline.
Comment: This sequence change affects codon 970 of the FOCAD mRNA. It is a 'silent' change, meaning that it does not change the encoded amino acid sequence of the FOCAD protein. This variant is present in population databases (rs748966079, gnomAD 0.04%). This variant has not been reported in the literature in individuals affected with FOCAD-related conditions. Experimental studies and prediction algorithms are not available or were not evaluated, and the effect of this variant on mRNA splicing is currently unknown. In summary, the available evidence is currently insufficient to determine the role of this variant in disease. Therefore, it has been classified as a Variant of Uncertain Significance.

NM_001375567.1(FOCAD):c.2910C>T (p.Val970=)

Gene: FOCAD (focadhesin; plus strand). Cytogenetic location: 9p21.3.
Variant type: single nucleotide variant.
Coding change: c.2910C>T on transcript NM_001375567.1 (MANE Select); coding-DNA position 2910, C replaced by T.
Protein change: p.Val970=; no amino-acid change (valine 970 retained).
Molecular consequence: synonymous variant.
Genome position (GRCh38, 1-based): chr9:20,923,717, C>T. VCF-style: chr9-20923717-C-T. GRCh37 (hg19) VCF-style: chr9-20923716-C-T.
Other names: c.2805C>T, p.Val935= (NM_001375568.1, NM_001375570.1); c.2910C>T, p.Val970= (NM_017794.5).
Identifiers: ClinVar variation 3665925 (VCV003665925.2).